The following is an entry in ClinVar:

ClinVar aggregate classification (germline): Uncertain significance. Review status: criteria provided, multiple submitters, no conflicts (2 of 4 stars). 4 submissions from 4 submitters: Uncertain significance (4). Last evaluated 2025-10-23.

Conditions:
Charcot-Marie-Tooth disease X-linked dominant 6. Also called: CHARCOT-MARIE-TOOTH NEUROPATHY, X-LINKED DOMINANT, 6. Identifiers: Orphanet 352675, MedGen C3806702, MONDO:0010479, OMIM 300905.

gnomAD v4.1: 7 of 1,207,752 alleles (0.00058%); highest among the groups gnomAD compares: Non-Finnish European, 0.00078%; no homozygotes.

Submissions (4):

Ambry Genetics
Classification: Uncertain significance. Last evaluated: 2025-10-23. Review status: criteria provided, single submitter. Criteria: Ambry Variant Classification Scheme 2023. Collection method: clinical testing. Allele origin: germline.

CeGaT Center for Human Genetics Tuebingen
Classification: Uncertain significance. Last evaluated: 2025-01-01. Review status: criteria provided, single submitter. Criteria: CeGaT Center For Human Genetics Tuebingen Variant Classification Criteria Version 2. Collection method: clinical testing. Allele origin: germline. Affected: yes. Observed: 1 variant allele.

Labcorp Genetics (formerly Invitae), Labcorp
Classification: Uncertain significance for Charcot-Marie-Tooth disease X-linked dominant 6. Last evaluated: 2024-12-08. Review status: criteria provided, single submitter. Criteria: Invitae Variant Classification Sherloc (09022015). Collection method: clinical testing. Allele origin: germline.
Comment: This sequence change replaces arginine, which is basic and polar, with cysteine, which is neutral and slightly polar, at codon 378 of the PDK3 protein (p.Arg378Cys). This variant is present in population databases (no rsID available, gnomAD 0.009%), including at least one homozygous and/or hemizygous individual. This variant has not been reported in the literature in individuals affected with PDK3-related conditions. An algorithm developed to predict the effect of missense changes on protein structure and function (PolyPhen-2) suggests that this variant is likely to be disruptive. In summary, the available evidence is currently insufficient to determine the role of this variant in disease. Therefore, it has been classified as a Variant of Uncertain Significance.

Blueprint Genetics
Classification: Uncertain significance. Last evaluated: 2020-06-05. Review status: criteria provided, single submitter. Criteria: ACMG Guidelines, 2015. Collection method: clinical testing. Allele origin: germline.

NM_005391.5(PDK3):c.1132C>T (p.Arg378Cys)

Gene: PDK3 (pyruvate dehydrogenase kinase 3; plus strand). Cytogenetic location: Xp22.11.
Variant type: single nucleotide variant.
Coding change: c.1132C>T on transcript NM_005391.5 (MANE Select); coding-DNA position 1132, C replaced by T.
Protein change: p.Arg378Cys; replaces arginine 378 with cysteine.
Molecular consequence: missense variant.
Genome position (GRCh38, 1-based): chrX:24,533,983, C>T. VCF-style: chrX-24533983-C-T. GRCh37 (hg19) VCF-style: chrX-24552100-C-T.
Other names: c.1132C>T (NM_001142386.2); c.1132C>T, p.Arg378Cys (NM_001142386.3); short protein forms R378C.
Identifiers: ClinVar variation 3719811 (VCV003719811.16).